The following is an entry in ClinVar:

NM_001204.7(BMPR2):c.631C>T (p.Arg211Ter)

Gene: BMPR2 (bone morphogenetic protein receptor type 2; plus strand). Cytogenetic location: 2q33.2.
Variant type: single nucleotide variant.
Coding change: c.631C>T on transcript NM_001204.7 (MANE Select); coding-DNA position 631, C replaced by T.
Protein change: p.Arg211Ter; replaces arginine 211 with a stop codon.
Molecular consequence: nonsense.
Genome position (GRCh38, 1-based): chr2:202,518,831, C>T. VCF-style: chr2-202518831-C-T. GRCh37 (hg19) VCF-style: chr2-203383554-C-T.
Other names: p.R211*:CGA>TGA; c.631C>T, p.Arg211Ter (LRG_712t1); short protein forms R211*.
Identifiers: ClinVar variation 8812 (VCV000008812.23), dbSNP rs137852753, ClinGen allele CA119933.

ClinVar aggregate classification (germline): Pathogenic. Review status: criteria provided, multiple submitters, no conflicts (2 of 4 stars). 12 submissions from 10 submitters: Pathogenic (6). 6 of the submissions do not count toward it. Last evaluated 2024-11-07.

Conditions:
Pulmonary arterial hypertension. Identifiers: Orphanet 182090, MedGen C2973725, MeSH D000081029, MONDO:0015924, HP:0002092.
Pulmonary hypertension, primary, 1 (PPH1). Also called: Pulmonary hypertension, familial primary, 1, with or without HHT. Identifiers: Orphanet 422, MedGen C4552070, MONDO:0024533, OMIM 178600.
Pulmonary venoocclusive disease 1 (PVOD1). Also called: Pulmonary venoocclusive disease 1, autosomal dominant. Identifiers: Orphanet 31837, MedGen C3887658, MONDO:0020713, OMIM 265450.
BMPR2-related disorder. Also called: BMPR2-related disorders; BMPR2-related condition.
Idiopathic and/or familial pulmonary arterial hypertension. Identifiers: Orphanet 422, MedGen C5679820, MONDO:0008347.
Primary pulmonary hypertension. Also called: Idiopathic pulmonary hypertension. Identifiers: MedGen C0152171.
Pulmonary hypertension, primary, dexfenfluramine-associated. Identifiers: MedGen C1969342.

Submissions (12):

Blueprint Genetics
Classification: Pathogenic for BMPR2-related disorders. Last evaluated: 2024-11-07. Review status: criteria provided, single submitter. Criteria: ACMG Guidelines, 2015. Collection method: clinical testing. Allele origin: germline. Affected: yes. Observed: 5 variant alleles.

Fulgent Genetics
Classification: Pathogenic for Pulmonary hypertension, primary, 1; Pulmonary venoocclusive disease 1. Last evaluated: 2024-06-17. Review status: criteria provided, single submitter. Criteria: ACMG Guidelines, 2015. Collection method: clinical testing. Allele origin: germline.

Labcorp Genetics (formerly Invitae), Labcorp
Classification: Pathogenic for Primary pulmonary hypertension. Last evaluated: 2023-01-24. Review status: criteria provided, single submitter. Criteria: Invitae Variant Classification Sherloc (09022015). Collection method: clinical testing. Allele origin: germline.
Comment: For these reasons, this variant has been classified as Pathogenic. ClinVar contains an entry for this variant (Variation ID: 8812). This premature translational stop signal has been observed in individual(s) with pulmonary arterial hypertension (PMID: 11015450, 19555857, 20534176). This variant is not present in population databases (gnomAD no frequency). This sequence change creates a premature translational stop signal (p.Arg211*) in the BMPR2 gene. It is expected to result in an absent or disrupted protein product. Loss-of-function variants in BMPR2 are known to be pathogenic (PMID: 16429395).

ARUP Laboratories, Molecular Genetics and Genomics, ARUP Laboratories
Classification: Pathogenic. Last evaluated: 2018-04-11. Review status: criteria provided, single submitter. Criteria: ARUP Molecular Germline Variant Investigation Process. Collection method: clinical testing. Allele origin: germline.
Comment: The BMPR2 c.631C>T; p.Arg211Ter variant (rs137852753) has been described in several individuals affected with familial and sporadic pulmonary hypertension (Humbert 2002, Machado 2001, Machado 2006, Portillo 2010, Sztrymf 2008, Thomson 2000). It has been reported as pathogenic by several laboratories in ClinVar (Variation ID: 8812) and is absent from general population databases (1000 Genomes Project, Exome Variant Server, and Genome Aggregation Database), indicating it is not a common polymorphism. This variant induces an early termination codon and is predicted to result in a truncated protein or mRNA subject to nonsense-mediated decay. Based on available information, this variant is considered pathogenic. References: Humbert M et al. BMPR2 germline mutations in pulmonary hypertension associated with fenfluramine derivatives. Eur Respir J. 2002 Sep;20(3):518-23. Machado R et al. BMPR2 haploinsufficiency as the inherited molecular mechanism for primary pulmonary hypertension. Am J Hum Genet. 2001 Jan;68(1):92-102. Machado R et al. Mutations of the TGF-beta type II receptor BMPR2 in pulmonary arterial hypertension. Hum Mutat. 2006 Feb;27(2):121-32. Portillo K et al. Study of the BMPR2 gene in patients with pulmonary arterial hypertension. Arch Bronconeumol. 2010 Mar;46(3):129-34. Sztrymf B et al. Clinical outcomes of pulmonary arterial hypertension in carriers of BMPR2 mutation. Am J Respir Crit Care Med. 2008 Jun 15;177(12):1377-83. Thomson J et al. Sporadic primary pulmonary hypertension is associated with germline mutations of the gene encoding BMPR-II, a receptor member of the TGF-beta family. J Med Genet. 2000 Oct;37(10):741-5.

GeneDx
Classification: Pathogenic. Last evaluated: 2017-02-07. Review status: criteria provided, single submitter. Criteria: GeneDx Variant Classification (06012015). Collection method: clinical testing. Allele origin: germline. Affected: yes.
Comment: The R211X variant in the BMPR2 gene has been reported in individuals with familial PAH as well as in families with sporadic idopathic PAH, and was absent from greater than 260 control chromosomes (Cogen et al., 2006; Elliot et al., 2006; Humbert et al, 2002; Machado et al., 2001; Machado et al., 2009; Pfarr et al., 2011; Portillo et al, 2010; Thompson et al., 2000). R211X is predicted to cause loss of normal protein function either by protein truncation or nonsense-mediated mRNA decay. Other nonsense variants in the BMPR2 gene have been reported in association with PAH. In summary, R211X in the BMPR2 gene is interpreted as a disease-causing variant.

Juno Genomics, Hangzhou Juno Genomics, Inc
Classification: Pathogenic for Pulmonary hypertension, primary, 1; Pulmonary venoocclusive disease 1. Review status: criteria provided, single submitter. Criteria: ACMG Guidelines, 2015. Collection method: clinical testing. Allele origin: germline. Affected: yes.
Comment: Absent from controls (or at extremely low frequency if recessive) in Genome Aggregation Database, Exome Sequencing Project, 1000 Genomes Project, or Exome Aggregation Consortium.;Null variant in a gene where loss of function (LOF) is a known mechanism of disease.;The prevalence of the variant in affected individuals is significantly increased compared to the prevalence in controls.;Assumed de novo, but without confirmation of paternity and maternity.

OMIM
Classification: Pathogenic for PULMONARY HYPERTENSION, PRIMARY, 1. Last evaluated: 2002-09-01. Review status: no assertion criteria provided. Collection method: literature only. Allele origin: germline. Not counted in ClinVar's aggregate classification.

OMIM
Classification: Pathogenic for PULMONARY HYPERTENSION, PRIMARY, DEXFENFLURAMINE-ASSOCIATED. Last evaluated: 2002-09-01. Review status: no assertion criteria provided. Collection method: literature only. Allele origin: germline. Not counted in ClinVar's aggregate classification.

NIHR Bioresource Rare Diseases, University of Cambridge
Classification: Pathogenic for Pulmonary arterial hypertension. Review status: no assertion criteria provided. Collection method: research. Allele origin: unknown. Affected: yes. Observed: 1 variant allele. Not counted in ClinVar's aggregate classification.

Rare Disease Genomics Group, St George's University of London
Classification: Pathogenic for Primary pulmonary hypertension. Review status: no assertion criteria provided. Collection method: literature only. Allele origin: germline. Affected: yes. Not counted in ClinVar's aggregate classification.

Rare Disease Genomics Group, St George's University of London
Classification: Pathogenic for Pulmonary hypertension, primary, dexfenfluramine-associated. Review status: no assertion criteria provided. Collection method: literature only. Allele origin: germline. Affected: yes. Not counted in ClinVar's aggregate classification.

Wendy Chung Laboratory, Boston Children's Hospital
No classification provided. Condition: Idiopathic and/or familial pulmonary arterial hypertension. Review status: no classification provided. Collection method: literature only. Allele origin: germline. Affected: yes. Observed: 3 variant alleles. Not counted in ClinVar's aggregate classification.

Literature cited by the submitters: PubMed 11015450 (cited by 3 submitters); PubMed 19555857 (cited by Labcorp Genetics (formerly Invitae), Labcorp and Rare Disease Genomics Group, St George's University of London); PubMed 20534176 (cited by Labcorp Genetics (formerly Invitae), Labcorp and Rare Disease Genomics Group, St George's University of London); PubMed 16429395 (cited by Labcorp Genetics (formerly Invitae), Labcorp and Rare Disease Genomics Group, St George's University of London); PubMed 11115378 (cited by OMIM and Rare Disease Genomics Group, St George's University of London); PubMed 12358323 (cited by OMIM and Rare Disease Genomics Group, St George's University of London); PubMed 32581362 (cited by NIHR Bioresource Rare Diseases, University of Cambridge); PubMed 16717148 (cited by Rare Disease Genomics Group, St George's University of London); PubMed 20096498 (cited by Rare Disease Genomics Group, St George's University of London); PubMed 21801371 (cited by Rare Disease Genomics Group, St George's University of London); PubMed 31727138 (cited by Wendy Chung Laboratory, Boston Children's Hospital).